The following is an entry in ClinVar:

NM_001943.5(DSG2):c.1090A>G (p.Ile364Val)

Gene: DSG2 (desmoglein 2; plus strand). Cytogenetic location: 18q12.1.
Variant type: single nucleotide variant.
Coding change: c.1090A>G on transcript NM_001943.5 (MANE Select); coding-DNA position 1090, A replaced by G.
Protein change: p.Ile364Val; replaces isoleucine 364 with valine.
Molecular consequence: missense variant.
Genome position (GRCh38, 1-based): chr18:31,531,062, A>G. VCF-style: chr18-31531062-A-G. GRCh37 (hg19) VCF-style: chr18-29111025-A-G.
Other names: short protein forms I364V.
Identifiers: ClinVar variation 1025880 (VCV001025880.8), dbSNP rs780014639, ClinGen allele CA402138422.

ClinVar aggregate classification (germline): Uncertain significance (1 of 4 stars; one submission).

Conditions:
Arrhythmogenic right ventricular dysplasia 10. Also called: Arrhythmogenic Right Ventricular Dysplasia/Cardiomyopathy10; Arrhythmogenic right ventricular dysplasia/cardiomyopathy, type 10; ARRHYTHMOGENIC RIGHT VENTRICULAR DYSPLASIA, FAMILIAL, 10. Identifiers: MedGen C1857777, MONDO:0012434, OMIM 610193.

Submission:

Labcorp Genetics (formerly Invitae), Labcorp
Classification: Uncertain significance for Arrhythmogenic right ventricular dysplasia 10. Last evaluated: 2024-04-30. Review status: criteria provided, single submitter. Criteria: Invitae Variant Classification Sherloc (09022015). Collection method: clinical testing. Allele origin: germline.
Comment: This sequence change replaces isoleucine, which is neutral and non-polar, with valine, which is neutral and non-polar, at codon 364 of the DSG2 protein (p.Ile364Val). This variant is not present in population databases (gnomAD no frequency). This variant has not been reported in the literature in individuals affected with DSG2-related conditions. ClinVar contains an entry for this variant (Variation ID: 1025880). Advanced modeling of protein sequence and biophysical properties (such as structural, functional, and spatial information, amino acid conservation, physicochemical variation, residue mobility, and thermodynamic stability) performed at Invitae indicates that this missense variant is not expected to disrupt DSG2 protein function with a negative predictive value of 95%. In summary, the available evidence is currently insufficient to determine the role of this variant in disease. Therefore, it has been classified as a Variant of Uncertain Significance.